The following is an entry in ClinVar:

NM_000718.4(CACNA1B):c.1604G>A (p.Gly535Asp)

Gene: CACNA1B (calcium voltage-gated channel subunit alpha1 B; plus strand). Cytogenetic location: 9q34.3.
Variant type: single nucleotide variant.
Coding change: c.1604G>A on transcript NM_000718.4 (MANE Select); coding-DNA position 1604, G replaced by A.
Protein change: p.Gly535Asp; replaces glycine 535 with aspartic acid.
Molecular consequence: missense variant.
Genome position (GRCh38, 1-based): chr9:137,975,967, G>A. VCF-style: chr9-137975967-G-A. GRCh37 (hg19) VCF-style: chr9-140870419-G-A.
Other names: c.1604G>A, p.Gly535Asp (NM_001243812.2); short protein forms G535D.
Identifiers: ClinVar variation 4761101 (VCV004761101.1).

ClinVar aggregate classification (germline): Uncertain significance (1 of 4 stars; one submission).

gnomAD v4.1: 1 of 1,613,842 alleles (0.000062%); highest among the groups gnomAD compares: South Asian, 0.0011%; no homozygotes.

Submission:

Labcorp Genetics (formerly Invitae), Labcorp
Classification: Uncertain significance. Last evaluated: 2026-01-13. Review status: criteria provided, single submitter. Criteria: Invitae Variant Classification Sherloc (09022015). Collection method: clinical testing. Allele origin: germline.
Comment: This sequence change replaces glycine, which is neutral and non-polar, with aspartic acid, which is acidic and polar, at codon 535 of the CACNA1B protein (p.Gly535Asp). This variant is not present in population databases (gnomAD no frequency). This variant has not been reported in the literature in individuals affected with CACNA1B-related conditions. Invitae Evidence Modeling of protein sequence and biophysical properties (such as structural, functional, and spatial information, amino acid conservation, physicochemical variation, residue mobility, and thermodynamic stability) indicates that this missense variant is not expected to disrupt CACNA1B protein function with a negative predictive value of 80%. In summary, the available evidence is currently insufficient to determine the role of this variant in disease. Therefore, it has been classified as a Variant of Uncertain Significance.